The following is an entry in ClinVar:

NM_145239.3(PRRT2):c.922C>T (p.Arg308Cys)

Genes: MVP-DT (MVP divergent transcript; minus strand), PRRT2 (proline rich transmembrane protein 2; plus strand). Cytogenetic location: 16p11.2.
Variant type: single nucleotide variant.
Coding change: c.922C>T on transcript NM_145239.3 (MANE Select); coding-DNA position 922, C replaced by T.
Protein change: p.Arg308Cys; replaces arginine 308 with cysteine.
Molecular consequence: missense variant. On other transcripts: 3 prime UTR variant (1).
Genome position (GRCh38, 1-based): chr16:29,814,375, C>T. VCF-style: chr16-29814375-C-T. GRCh37 (hg19) VCF-style: chr16-29825696-C-T.
Other names: c.922C>T, p.Arg308Cys (NM_001256442.2); c.*421C>T (NM_001256443.2); short protein forms R308C.
Identifiers: ClinVar variation 449322 (VCV000449322.18), dbSNP rs932713001, ClinGen allele CA280410931.
Genomic context (GRCh38, chr16:29,814,375, plus strand): 5'-CCCTCGCCCTAACCCCAGTCCCGGAACAGCCTGCAGCAGGGGGACGTGGACGGGGCCCAG[C>T]GTCTGGGCCGGGTAGCCAAGCTCTTAAGCATCGTGGCGCTGGTGGGGGGAGTCCTCATCA-3'
Protein context (NP_660282.2, residues 298-318): LQQGDVDGAQ[Arg308Cys]LGRVAKLLSI

ClinVar aggregate classification (germline): Conflicting classifications of pathogenicity. Review status: criteria provided, conflicting classifications (1 of 4 stars). 4 submissions from 4 submitters: Pathogenic (1); Likely pathogenic (1); Uncertain significance (2). Last evaluated 2026-01-06.

Conditions:
Episodic kinesigenic dyskinesia 1 (EKD1). Also called: DYSTONIA, FAMILIAL PAROXYSMAL; PAROXYSMAL KINESIGENIC CHOREOATHETOSIS; PxMD-PRRT2; PRRT2-Related Paroxysmal Kinesigenic Dyskinesia (PKD); Dystonia 10. Identifiers: Orphanet 98809, MedGen C4552000, MONDO:0100352, OMIM 128200, MONDO:0007494.
Episodic kinesigenic dyskinesia (EKD). Also called: Paroxysmal kinesigenic dyskinesia. Identifiers: Orphanet 98809, MedGen C1868682, MONDO:0044202.

Allele frequency attached by ClinVar (database versions not stated): TOPMed 0.00001.
gnomAD v4.1: 6 of 1,609,816 alleles (0.00037%); highest among the groups gnomAD compares: Non-Finnish European, 0.00051%; no homozygotes.

Submissions (4):

Labcorp Genetics (formerly Invitae), Labcorp
Classification: Uncertain significance for Episodic kinesigenic dyskinesia. Last evaluated: 2026-01-06. Review status: criteria provided, single submitter. Criteria: Invitae Variant Classification Sherloc (09022015). Collection method: clinical testing. Allele origin: germline.
Comment: This sequence change replaces arginine, which is basic and polar, with cysteine, which is neutral and slightly polar, at codon 308 of the PRRT2 protein (p.Arg308Cys). The frequency data for this variant in the population databases is considered unreliable, as metrics indicate poor data quality at this position in the gnomAD database. This missense change has been observed in individuals with paroxysmal kinesigenic dyskinesia (PMID: 22131361, 22870186). ClinVar contains an entry for this variant (Variation ID: 449322). Invitae Evidence Modeling of protein sequence and biophysical properties (such as structural, functional, and spatial information, amino acid conservation, physicochemical variation, residue mobility, and thermodynamic stability) indicates that this missense variant is expected to disrupt PRRT2 protein function with a positive predictive value of 95%. Experimental studies have shown that this missense change affects PRRT2 function (PMID: 27172900, 31124310). In summary, the available evidence is currently insufficient to determine the role of this variant in disease. Therefore, it has been classified as a Variant of Uncertain Significance.

GeneDx
Classification: Likely pathogenic. Last evaluated: 2025-12-26. Review status: criteria provided, single submitter. Criteria: GeneDx Variant Classification Process June 2021. Collection method: clinical testing. Allele origin: germline. Affected: yes.
Comment: Published functional studies demonstrate a damaging effect on protein expression (PMID: 27172900, 31124310); Reported individuals with paroxysmal dyskinesias in published literature (PMID: 22131361, 22870186); Not observed at significant frequency in large population cohorts (gnomAD); In silico analysis supports that this missense variant has a deleterious effect on protein structure/function; This variant is associated with the following publications: (PMID: 23363396, 23299620, 27624551, 22870186, 31124310, 37271286, 22131361, 27172900)

MGZ Medical Genetics Center
Classification: Uncertain significance for Episodic kinesigenic dyskinesia 1. Last evaluated: 2022-08-03. Review status: criteria provided, single submitter. Criteria: ACMG Guidelines, 2015. Collection method: clinical testing. Allele origin: germline. Affected: yes. Observed: 1 variant allele.
Comment: ACMG criteria applied: PS3_SUP, PM2_SUP, PP3

Mendelics
Classification: Pathogenic for Episodic kinesigenic dyskinesia 1. Last evaluated: 2022-05-04. Review status: criteria provided, single submitter. Criteria: Mendelics Assertion Criteria 2019. Collection method: clinical testing. Allele origin: germline.

Literature cited by the submitters: PubMed 22131361 (cited by Labcorp Genetics (formerly Invitae), Labcorp); PubMed 22870186 (cited by Labcorp Genetics (formerly Invitae), Labcorp); PubMed 27172900 (cited by Labcorp Genetics (formerly Invitae), Labcorp); PubMed 31124310 (cited by Labcorp Genetics (formerly Invitae), Labcorp).